The following is an entry in ClinVar:

ClinVar aggregate classification (germline): Uncertain significance (0 of 4 stars; one submission).

Conditions:
KMT2D-related disorder. Also called: KMT2D-Related Disorders.

Allele frequency attached by ClinVar (database versions not stated): gnomAD exomes below 0.00001; TOPMed below 0.00001; gnomAD 0.00001.
gnomAD v4.1: 8 of 1,596,806 alleles (0.0005%); highest among the groups gnomAD compares: Non-Finnish European, 0.00043%; no homozygotes.

Submission:

PreventionGenetics, part of Exact Sciences
Classification: Uncertain significance for KMT2D-related condition. Last evaluated: 2023-12-20. Review status: no assertion criteria provided. Collection method: clinical testing. Allele origin: germline.
Comment: The KMT2D c.9560C>T variant is predicted to result in the amino acid substitution p.Ala3187Val. To our knowledge, this variant has not been reported in the literature. This variant is reported in 0.013% of alleles in individuals of European (Non-Finnish) descent in gnomAD. At this time, the clinical significance of this variant is uncertain due to the absence of conclusive functional and genetic evidence.

NM_003482.4(KMT2D):c.9560C>T (p.Ala3187Val)

Gene: KMT2D (lysine methyltransferase 2D; minus strand). Cytogenetic location: 12q13.12.
Variant type: single nucleotide variant.
Coding change: c.9560C>T on transcript NM_003482.4 (MANE Select); coding-DNA position 9560, C replaced by T.
Protein change: p.Ala3187Val; replaces alanine 3187 with valine.
Molecular consequence: missense variant.
Genome position (GRCh38, 1-based): chr12:49,037,796, G>A on the plus strand (C>T on the coding strand, the complement: KMT2D is on the minus strand). VCF-style: chr12-49037796-G-A. GRCh37 (hg19) VCF-style: chr12-49431579-G-A.
Other names: short protein forms A3187V.
Identifiers: ClinVar variation 3056692 (VCV003056692.2), dbSNP rs1435084589, ClinGen allele CA384737249.